The following is an entry in ClinVar:

ClinVar aggregate classification (germline): Uncertain significance. Review status: criteria provided, multiple submitters, no conflicts (2 of 4 stars). 2 submissions from 2 submitters: Uncertain significance (2). Last evaluated 2025-06-16.

Conditions:
Inborn genetic diseases. Identifiers: MedGen C0950123, MeSH D030342.
Charcot-Marie-Tooth disease type 4. Also called: Charcot-Marie-Tooth, Type 4; Charcot-Marie-Tooth disease, type IV. Identifiers: Orphanet 64749, MedGen C4082197, MONDO:0018995.

Allele frequency attached by ClinVar (database versions not stated): gnomAD exomes below 0.00001; gnomAD 0.00001; TOPMed 0.00001.
gnomAD v4.1: 3 of 1,613,932 alleles (0.00019%); highest among the groups gnomAD compares: Admixed American, 0.005%; no homozygotes.

Submissions (2):

Ambry Genetics
Classification: Uncertain significance for Inborn genetic diseases. Last evaluated: 2025-06-16. Review status: criteria provided, single submitter. Criteria: Ambry Variant Classification Scheme 2023. Collection method: clinical testing. Allele origin: germline.

Labcorp Genetics (formerly Invitae), Labcorp
Classification: Uncertain significance for Charcot-Marie-Tooth disease type 4. Last evaluated: 2022-01-29. Review status: criteria provided, single submitter. Criteria: Invitae Variant Classification Sherloc (09022015). Collection method: clinical testing. Allele origin: germline.
Comment: This sequence change replaces phenylalanine, which is neutral and non-polar, with leucine, which is neutral and non-polar, at codon 796 of the SH3TC2 protein (p.Phe796Leu). This variant is not present in population databases (gnomAD no frequency). This variant has not been reported in the literature in individuals affected with SH3TC2-related conditions. Advanced modeling of protein sequence and biophysical properties (such as structural, functional, and spatial information, amino acid conservation, physicochemical variation, residue mobility, and thermodynamic stability) performed at Invitae indicates that this missense variant is not expected to disrupt SH3TC2 protein function. In summary, the available evidence is currently insufficient to determine the role of this variant in disease. Therefore, it has been classified as a Variant of Uncertain Significance.

NM_024577.4(SH3TC2):c.2386T>C (p.Phe796Leu)

Gene: SH3TC2 (SH3 domain and tetratricopeptide repeats 2; minus strand). Cytogenetic location: 5q32.
Variant type: single nucleotide variant.
Coding change: c.2386T>C on transcript NM_024577.4 (MANE Select); coding-DNA position 2386, T replaced by C.
Protein change: p.Phe796Leu; replaces phenylalanine 796 with leucine.
Molecular consequence: missense variant.
Genome position (GRCh38, 1-based): chr5:149,027,346, A>G on the plus strand (T>C on the coding strand, the complement: SH3TC2 is on the minus strand). VCF-style: chr5-149027346-A-G. GRCh37 (hg19) VCF-style: chr5-148406909-A-G.
Other names: short protein forms F796L.
Identifiers: ClinVar variation 1988973 (VCV001988973.2), dbSNP rs1420800655, ClinGen allele CA361666477.